The following is an entry in ClinVar:

ClinVar aggregate classification (germline): Benign. Review status: criteria provided, multiple submitters, no conflicts (2 of 4 stars). 24 submissions from 22 submitters: Benign (17). 7 of the submissions do not count toward it. Last evaluated 2026-02-04.

Conditions:
Fumarase deficiency (FMRD). Also called: Fumaric aciduria; Fumarate Hydratase Deficiency. Identifiers: Orphanet 24, MedGen C0342770, MONDO:0011730, OMIM 606812.
Hereditary leiomyomatosis and renal cell cancer. Also called: Reed syndrome; Multiple cutaneous and uterine leiomyomatosis; Cutaneous leiomyomata with uterine leiomyomata; Leiomyoma, hereditary multiple, of skin; Multiple cutaneous and uterine leiomyomata; MULTIPLE CUTANEOUS AND UTERINE LEIOMYOMATA 1, WITH OR WITHOUT RENAL CELL CARCINOMA. Identifiers: Orphanet 523, MedGen C1708350, MONDO:0007888, OMIM 150800, HP:0007437. Disease mechanism: loss of function.
Hereditary cancer-predisposing syndrome. Also called: Tumor predisposition; Hereditary neoplastic syndrome; Neoplastic Syndromes, Hereditary; Hereditary Cancer Syndrome. Identifiers: Orphanet 140162, MedGen C0027672, MeSH D009386, MONDO:0015356.

Allele frequency attached by ClinVar (database versions not stated): ESP Exome Variant Server 0.02207; gnomAD 0.02428 and 0.02658; TOPMed 0.02442; ExAC 0.03489; 1000 Genomes Project 30x 0.03685; 1000 Genomes Project 0.03754.
gnomAD v4.1: 46,452 of 1,613,886 alleles (2.9%); highest among the groups gnomAD compares: Middle Eastern, 10%; 1,032 homozygotes.

Submissions (24):

Labcorp Genetics (formerly Invitae), Labcorp
Classification: Benign. Last evaluated: 2026-02-04. Review status: criteria provided, single submitter. Criteria: Invitae Variant Classification Sherloc (09022015). Collection method: clinical testing. Allele origin: germline.

ARUP Laboratories, Molecular Genetics and Genomics, ARUP Laboratories
Classification: Benign. Last evaluated: 2025-06-27. Review status: criteria provided, single submitter. Criteria: ARUP Molecular Germline Variant Investigation Process 2024. Collection method: clinical testing. Allele origin: germline.

Center for Genomic Medicine, Rigshospitalet, Copenhagen University Hospital
Classification: Benign. Last evaluated: 2025-03-04. Review status: criteria provided, single submitter. Criteria: ACMG Guidelines, 2015. Collection method: clinical testing. Allele origin: germline.

Blueprint Genetics
Classification: Benign. Last evaluated: 2024-11-26. Review status: criteria provided, single submitter. Criteria: ACMG Guidelines, 2015. Collection method: clinical testing. Allele origin: germline.

Myriad Genetics, Inc.
Classification: Benign for Hereditary leiomyomatosis and renal cell cancer. Last evaluated: 2024-10-18. Review status: criteria provided, single submitter. Criteria: Myriad Autosomal Dominant, Autosomal Recessive and X-Linked Classification Criteria (2023). Collection method: clinical testing. Allele origin: unknown.
Comment: This variant is considered benign. This variant is a silent/synonymous amino acid change and it is not expected to impact splicing.

KCCC/NGS Laboratory, Kuwait Cancer Control Center
Classification: Benign for Hereditary leiomyomatosis and renal cell cancer. Last evaluated: 2023-07-07. Review status: criteria provided, single submitter. Criteria: ACMG Guidelines, 2015. Collection method: clinical testing. Allele origin: germline. Affected: yes.

Genome-Nilou Lab
Classification: Benign for Fumarase deficiency. Last evaluated: 2021-07-01. Review status: criteria provided, single submitter. Criteria: ACMG Guidelines, 2015. Collection method: clinical testing. Allele origin: germline. Affected: no.

Genome-Nilou Lab
Classification: Benign for Hereditary leiomyomatosis and renal cell cancer. Last evaluated: 2021-07-01. Review status: criteria provided, single submitter. Criteria: ACMG Guidelines, 2015. Collection method: clinical testing. Allele origin: germline. Affected: no.

Department of Pathology and Laboratory Medicine, Sinai Health System
Classification: Benign for Hereditary leiomyomatosis and renal cell cancer; Fumarase deficiency. Last evaluated: 2021-06-17. Review status: criteria provided, single submitter. Criteria: ACMG Guidelines, 2015. Collection method: clinical testing. Allele origin: germline. Affected: yes.

Illumina Laboratory Services, Illumina
Classification: Benign for Hereditary leiomyomatosis and renal cell cancer. Last evaluated: 2018-01-12. Review status: criteria provided, single submitter. Criteria: ICSL Variant Classification Criteria 13 December 2019. Collection method: clinical testing. Allele origin: germline.
Comment: This variant was observed in the ICSL laboratory as part of a predisposition screen in an ostensibly healthy population. It had not been previously curated by ICSL or reported in the Human Gene Mutation Database (HGMD: prior to June 1st, 2018), and was therefore a candidate for classification through an automated scoring system. Utilizing variant allele frequency, disease prevalence and penetrance estimates, and inheritance mode, an automated score was calculated to assess if this variant is too frequent to cause the disease. Based on the score and internal cut-off values, a variant classified as benign is not then subjected to further curation. The score for this variant resulted in a classification of benign for this disease.

Illumina Laboratory Services, Illumina
Classification: Benign for Fumarase deficiency. Last evaluated: 2018-01-12. Review status: criteria provided, single submitter. Criteria: ICSL Variant Classification Criteria 13 December 2019. Collection method: clinical testing. Allele origin: germline.
Comment: the same text as in the submission from Illumina Laboratory Services, Illumina above.

Women's Health and Genetics/Laboratory Corporation of America, LabCorp
Classification: Benign. Last evaluated: 2016-05-04. Review status: criteria provided, single submitter. Criteria: LabCorp Variant Classification Summary - May 2015. Collection method: clinical testing. Allele origin: germline.
Comment: Variant summary: The FH variant, c.927G>A (p.Pro309Pro) causes a synonymous change involving a non-conserved nucleotide with 5/5 in silico tools via Alamut predicting no significant effect on splicing, although these predictions have yet to be functionally assessed. The variant of interest was observed in the large, broad control population, ExAC, with an allele frequency of 4203/120454 (1/28, 104 homozygotes), which exceeds the estimated maximum expected allele frequency for a pathogenic FH variant of 1/400000. In addition, multiple reputable clinical laboratories cite the variant as "benign." Therefore, the variant of interest is classified as Benign.

Eurofins Ntd Llc (ga)
Classification: Benign. Last evaluated: 2014-12-02. Review status: criteria provided, single submitter. Criteria: EGL Classification Definitions 2015. Collection method: clinical testing. Allele origin: germline. Observed: 5 variant alleles, 4 heterozygotes, 1 homozygote.

Ambry Genetics
Classification: Benign for Hereditary cancer-predisposing syndrome. Last evaluated: 2014-11-21. Review status: criteria provided, single submitter. Criteria: Ambry Variant Classification Scheme 2023. Collection method: clinical testing. Allele origin: germline.

GeneDx
Classification: Benign. Last evaluated: 2012-05-11. Review status: criteria provided, single submitter. Criteria: GeneDx Variant Classification (06012015). Collection method: clinical testing. Allele origin: germline. Affected: yes.
Comment: This variant is considered likely benign or benign based on one or more of the following criteria: it is a conservative change, it occurs at a poorly conserved position in the protein, it is predicted to be benign by multiple in silico algorithms, and/or has population frequency not consistent with disease.

Breakthrough Genomics
Classification: Benign. Review status: criteria provided, single submitter. Criteria: ACMG Guidelines, 2015. Collection method: not provided. Allele origin: germline. Inheritance: Autosomal recessive inheritance. Affected: yes.

PreventionGenetics, part of Exact Sciences
Classification: Benign. Review status: criteria provided, single submitter. Criteria: ACMG Guidelines, 2015. Collection method: clinical testing. Allele origin: germline.

Natera, Inc.
Classification: Benign for Fumarase deficiency. Last evaluated: 2020-09-16. Review status: no assertion criteria provided. Collection method: clinical testing. Allele origin: germline. Not counted in ClinVar's aggregate classification.

Mayo Clinic Laboratories, Mayo Clinic
Classification: Benign. Last evaluated: 2016-02-26. Review status: no assertion criteria provided. Collection method: clinical testing. Allele origin: unknown. Not counted in ClinVar's aggregate classification.

Clinical Genetics DNA and cytogenetics Diagnostics Lab, Erasmus MC, Erasmus Medical Center
Classification: Benign. Review status: no assertion criteria provided. Collection method: clinical testing. Allele origin: germline. Affected: yes. Study: VKGL Data-share Consensus. Not counted in ClinVar's aggregate classification.

Genome Diagnostics Laboratory, Amsterdam University Medical Center
Classification: Benign. Review status: no assertion criteria provided. Collection method: clinical testing. Allele origin: germline. Affected: yes. Study: VKGL Data-share Consensus. Not counted in ClinVar's aggregate classification.

Genome Diagnostics Laboratory, University Medical Center Utrecht
Classification: Benign. Review status: no assertion criteria provided. Collection method: clinical testing. Allele origin: germline. Affected: yes. Study: VKGL Data-share Consensus. Not counted in ClinVar's aggregate classification.

Joint Genome Diagnostic Labs from Nijmegen and Maastricht, Radboudumc and MUMC+
Classification: Benign. Review status: no assertion criteria provided. Collection method: clinical testing. Allele origin: germline. Affected: yes. Study: VKGL Data-share Consensus. Not counted in ClinVar's aggregate classification.

Laboratory of Diagnostic Genome Analysis, Leiden University Medical Center (LUMC)
Classification: Benign. Review status: no assertion criteria provided. Collection method: clinical testing. Allele origin: germline. Affected: yes. Study: VKGL Data-share Consensus. Not counted in ClinVar's aggregate classification.

NM_000143.4(FH):c.927G>A (p.Pro309=)

Gene: FH (fumarate hydratase; minus strand). Cytogenetic location: 1q43.
Variant type: single nucleotide variant.
Coding change: c.927G>A on transcript NM_000143.4 (MANE Select); coding-DNA position 927, G replaced by A.
Protein change: p.Pro309=; no amino-acid change (proline 309 retained).
Molecular consequence: synonymous variant.
Genome position (GRCh38, 1-based): chr1:241,504,223, C>T on the plus strand (G>A on the coding strand, the complement: FH is on the minus strand). VCF-style: chr1-241504223-C-T. GRCh37 (hg19) VCF-style: chr1-241667523-C-T.
Other names: p.P309P:CCG>CCA.
Identifiers: ClinVar variation 137370 (VCV000137370.58), dbSNP rs61737760, ClinGen allele CA167599.